The following is an entry in ClinVar:

ClinVar aggregate classification (germline): Pathogenic/Likely pathogenic. Review status: criteria provided, multiple submitters, no conflicts (2 of 4 stars). 4 submissions from 4 submitters: Pathogenic (1); Likely pathogenic (2). 1 of the submissions does not count toward it. Last evaluated 2025-09-02.

Conditions:
Deficiency of acetyl-CoA acetyltransferase. Also called: Beta-ketothiolase deficiency; MITOCHONDRIAL ACETOACETYL-CoA THIOLASE DEFICIENCY; 3-KETOTHIOLASE DEFICIENCY; 3-OXOTHIOLASE DEFICIENCY. Identifiers: Orphanet 134, MedGen C1536500, MONDO:0008760, OMIM 203750. Disease mechanism: loss of function.

Submissions (4):

Labcorp Genetics (formerly Invitae), Labcorp
Classification: Pathogenic for Deficiency of acetyl-CoA acetyltransferase. Last evaluated: 2025-09-02. Review status: criteria provided, single submitter. Criteria: Invitae Variant Classification Sherloc (09022015). Collection method: clinical testing. Allele origin: germline.
Comment: This variant results in the deletion of part of exon 1 (c.64_72+10del) of the ACAT1 gene. It is expected to disrupt RNA splicing. Variants that disrupt the donor or acceptor splice site typically lead to a loss of protein function (PMID: 16199547), and loss-of-function variants in ACAT1 are known to be pathogenic (PMID: 7749408). This variant is present in population databases (no rsID available, gnomAD 0.03%). This variant has been observed in individual(s) with beta-ketothiolase deficiency (internal data). In at least one individual the data is consistent with being in trans (on the opposite chromosome) from a pathogenic variant. ClinVar contains an entry for this variant (Variation ID: 842676). For these reasons, this variant has been classified as Pathogenic.

Revvity Omics, Revvity
Classification: Likely pathogenic for Deficiency of acetyl-CoA acetyltransferase. Last evaluated: 2024-08-22. Review status: criteria provided, single submitter. Criteria: ACMG Guidelines, 2015. Collection method: clinical testing. Allele origin: germline.

Fulgent Genetics
Classification: Likely pathogenic for Deficiency of acetyl-CoA acetyltransferase. Last evaluated: 2024-03-29. Review status: criteria provided, single submitter. Criteria: ACMG Guidelines, 2015. Collection method: clinical testing. Allele origin: germline.

Natera, Inc.
Classification: Likely pathogenic for Alpha-methylacetoacetic aciduria. Last evaluated: 2020-09-02. Review status: no assertion criteria provided. Collection method: clinical testing. Allele origin: germline. Not counted in ClinVar's aggregate classification.

Literature cited by the submitters: PubMed 16199547 (cited by Labcorp Genetics (formerly Invitae), Labcorp); PubMed 7749408 (cited by Labcorp Genetics (formerly Invitae), Labcorp).

NM_000019.4(ACAT1):c.64_72+10del

Gene: ACAT1 (acetyl-CoA acetyltransferase 1; plus strand). Cytogenetic location: 11q22.3.
Variant type: Deletion.
Coding change: c.64_72+10del on transcript NM_000019.4 (MANE Select); coding-DNA position 64 through 10 bases into the intron after coding-DNA position 72, 19 bases deleted (CTGGTGCAGGTGAGCGGGG).
Molecular consequence: splice donor variant.
Genome position (GRCh38, 1-based): chr11:108,121,670-108,121,688, CTGGTGCAGGTGAGCGGGG deleted; deleting any 19 consecutive bases within chr11:108,121,668-108,121,688 gives the same sequence; the c. name uses the placement nearest the transcript's 3' end. VCF-style (leftmost placement, unchanged base first): chr11-108121667-AGGCTGGTGCAGGTGAGCGG-A. GRCh37 (hg19) VCF-style: chr11-107992394-AGGCTGGTGCAGGTGAGCGG-A.
Identifiers: ClinVar variation 842676 (VCV000842676.16), dbSNP rs1318268067, ClinGen allele CA601959394.
Genomic context (GRCh38, chr11:108,121,667, plus strand): 5'-ATGGCTGTGCTGGCGGCACTTCTGCGCAGCGGCGCCCGCAGCCGCAGCCCCCTGCTCCGG[AGGCTGGTGCAGGTGAGCGG>A]GGTTCGTCCCCACAGCACTCAGACCCGGGATGCGAGGAGTCCCCGCCTCGGAAGCTTCCA-3'